The following is an entry in ClinVar:

ClinVar aggregate classification (germline): Uncertain significance (1 of 4 stars; one submission).

Conditions:
Cardiovascular phenotype. Identifiers: MedGen CN230736.

gnomAD v4.1: 1 of 1,613,880 alleles (0.000062%); highest among the groups gnomAD compares: African/African-American, 0.0013%; no homozygotes.

Submission:

Ambry Genetics
Classification: Uncertain significance for Cardiovascular phenotype. Last evaluated: 2025-11-04. Review status: criteria provided, single submitter. Criteria: Ambry Variant Classification Scheme 2023. Collection method: clinical testing. Allele origin: germline.
Comment: The p.P335T variant (also known as c.1003C>A), located in coding exon 11 of the EYA4 gene, results from a C to A substitution at nucleotide position 1003. The proline at codon 335 is replaced by threonine, an amino acid with highly similar properties. This amino acid position is conserved. In addition, this alteration is predicted to be deleterious by in silico analysis. Based on the available evidence, the clinical significance of this variant remains unclear.

NM_004100.5(EYA4):c.1003C>A (p.Pro335Thr)

Gene: EYA4 (EYA transcriptional coactivator and phosphatase 4; plus strand). Cytogenetic location: 6q23.2.
Variant type: single nucleotide variant.
Coding change: c.1003C>A on transcript NM_004100.5 (MANE Select); coding-DNA position 1003, C replaced by A.
Protein change: p.Pro335Thr; replaces proline 335 with threonine.
Molecular consequence: missense variant.
Genome position (GRCh38, 1-based): chr6:133,481,495, C>A. VCF-style: chr6-133481495-C-A. GRCh37 (hg19) VCF-style: chr6-133802633-C-A.
Other names: c.841C>A, p.Pro281Thr (NM_001301012.2); c.1021C>A, p.Pro341Thr (NM_001301013.2); c.934C>A, p.Pro312Thr (NM_001370458.1, NM_172103.4); c.859C>A, p.Pro287Thr (NM_001370459.1); c.1003C>A, p.Pro335Thr (NM_172105.4); short protein forms P335T, P281T, P287T, P341T, P312T.
Identifiers: ClinVar variation 4614160 (VCV004614160.1).
Genomic context (GRCh38, chr6:133,481,495, plus strand): 5'-TTCTTGACCTAAGTCATGTTATCTATAGGAGAGTTCGATACCATGCAGAGTCCCTCCACA[C>A]CCATCAAAGATCTTGATGAGAGAACCTGTAGGAGTTCTGGGTCAAAGTCCAGAGGAAGAG-3'
Protein context (NP_004091.3, residues 325-345): EFDTMQSPST[Pro335Thr]IKDLDERTCR